The following is an entry in ClinVar:

NM_001378454.1(ALMS1):c.3284C>G (p.Thr1095Ser)

Gene: ALMS1 (ALMS1 centrosome and basal body associated protein; plus strand). Cytogenetic location: 2p13.1.
Variant type: single nucleotide variant.
Coding change: c.3284C>G on transcript NM_001378454.1 (MANE Select); coding-DNA position 3284, C replaced by G.
Protein change: p.Thr1095Ser; replaces threonine 1095 with serine.
Molecular consequence: missense variant.
Genome position (GRCh38, 1-based): chr2:73,449,811, C>G. VCF-style: chr2-73449811-C-G. GRCh37 (hg19) VCF-style: chr2-73676938-C-G.
Other names: c.3287C>G, p.Thr1096Ser (NM_015120.4); short protein forms T1095S, T1096S.
Identifiers: ClinVar variation 2000580 (VCV002000580.4), dbSNP rs2466097522, ClinGen allele CA347274816.

ClinVar aggregate classification (germline): Uncertain significance (1 of 4 stars; one submission).

Conditions:
Alstrom syndrome (ALMS). Identifiers: Orphanet 64, MedGen C0268425, MONDO:0008763, OMIM 203800.

Submission:

Labcorp Genetics (formerly Invitae), Labcorp
Classification: Uncertain significance for Alstrom syndrome. Last evaluated: 2022-05-29. Review status: criteria provided, single submitter. Criteria: Invitae Variant Classification Sherloc (09022015). Collection method: clinical testing. Allele origin: germline.
Comment: This sequence change replaces threonine, which is neutral and polar, with serine, which is neutral and polar, at codon 1096 of the ALMS1 protein (p.Thr1096Ser). This variant is not present in population databases (gnomAD no frequency). This variant has not been reported in the literature in individuals affected with ALMS1-related conditions. Experimental studies and prediction algorithms are not available or were not evaluated, and the functional significance of this variant is currently unknown. In summary, the available evidence is currently insufficient to determine the role of this variant in disease. Therefore, it has been classified as a Variant of Uncertain Significance.